The following is an entry in ClinVar:

NM_015352.2(POFUT1):c.751A>G (p.Met251Val)

Gene: POFUT1 (protein O-fucosyltransferase 1; plus strand). Cytogenetic location: 20q11.21.
Variant type: single nucleotide variant.
Coding change: c.751A>G on transcript NM_015352.2 (MANE Select); coding-DNA position 751, A replaced by G.
Protein change: p.Met251Val; replaces methionine 251 with valine.
Molecular consequence: missense variant.
Genome position (GRCh38, 1-based): chr20:32,230,834, A>G. VCF-style: chr20-32230834-A-G. GRCh37 (hg19) VCF-style: chr20-30818637-A-G.
Other names: short protein forms M251V.
Identifiers: ClinVar variation 719060 (VCV000719060.15), dbSNP rs79984831, ClinGen allele CA9807380.

ClinVar aggregate classification (germline): Benign/Likely benign. Review status: criteria provided, multiple submitters, no conflicts (2 of 4 stars). 4 submissions from 4 submitters: Benign (1); Likely benign (2). 1 of the submissions does not count toward it. Last evaluated 2025-12-02.

Conditions:
Dowling-Degos disease 2 (DDD2). Identifiers: Orphanet 79145, MedGen C3809147, MONDO:0014130, OMIM 615327.
POFUT1-related disorder. Also called: POFUT1-related condition.

Allele frequency attached by ClinVar (database versions not stated): ExAC 0.00357; gnomAD exomes 0.00364 and 0.00089; 1000 Genomes Project 30x 0.00812; 1000 Genomes Project 0.00839; gnomAD 0.00106 and 0.00144; TOPMed 0.00197.
gnomAD v4.1: 1,545 of 1,613,808 alleles (0.096%); highest among the groups gnomAD compares: East Asian, 2.9%; 29 homozygotes.

Submissions (4):

Labcorp Genetics (formerly Invitae), Labcorp
Classification: Benign for Dowling-Degos disease 2. Last evaluated: 2025-12-02. Review status: criteria provided, single submitter. Criteria: Invitae Variant Classification Sherloc (09022015). Collection method: clinical testing. Allele origin: germline.

GeneDx
Classification: Likely benign. Last evaluated: 2019-04-10. Review status: criteria provided, single submitter. Criteria: GeneDx Variant Classification Process June 2021. Collection method: clinical testing. Allele origin: germline. Affected: yes.
Comment: See Variant Classification Assertion Criteria.

Breakthrough Genomics
Classification: Likely benign. Review status: criteria provided, single submitter. Criteria: ACMG Guidelines, 2015. Collection method: not provided. Allele origin: germline. Inheritance: Autosomal dominant inheritance. Affected: yes.

PreventionGenetics, part of Exact Sciences
Classification: Benign for POFUT1-related condition. Last evaluated: 2020-06-11. Review status: no assertion criteria provided. Collection method: clinical testing. Allele origin: germline. Not counted in ClinVar's aggregate classification.
Comment: This variant is classified as benign based on ACMG/AMP sequence variant interpretation guidelines (Richards et al. 2015 PMID: 25741868, with internal and published modifications).